The following is an entry in ClinVar:

NM_007144.3(PCGF2):c.911C>T (p.Ser304Leu)

Genes: PCGF2 (polycomb group ring finger 2; minus strand), CISD3 (CDGSH iron sulfur domain 3; plus strand). Cytogenetic location: 17q12.
Variant type: single nucleotide variant.
Coding change: c.911C>T on transcript NM_007144.3 (MANE Select); coding-DNA position 911, C replaced by T.
Protein change: p.Ser304Leu; replaces serine 304 with leucine.
Molecular consequence: missense variant. On other transcripts: 3 prime UTR variant (1).
Genome position (GRCh38, 1-based): chr17:38,735,347, G>A on the plus strand (C>T on the coding strand, the complement: PCGF2 is on the minus strand). VCF-style: chr17-38735347-G-A. GRCh37 (hg19) VCF-style: chr17-36891600-G-A.
Other names: c.*1892G>A (NM_001136498.2); c.911C>T, p.Ser304Leu (NM_001369614.1, NM_001369615.1); short protein forms S304L.
Identifiers: ClinVar variation 3020884 (VCV003020884.3), dbSNP rs1307931350, ClinGen allele CA398819711.

ClinVar aggregate classification (germline): Uncertain significance (1 of 4 stars; one submission).

Allele frequency attached by ClinVar (database versions not stated): TOPMed below 0.00001; gnomAD 0.00001.
gnomAD v4.1: 9 of 1,557,988 alleles (0.00058%); highest among the groups gnomAD compares: East Asian, 0.0047%; no homozygotes.

Submission:

Labcorp Genetics (formerly Invitae), Labcorp
Classification: Uncertain significance. Last evaluated: 2024-06-03. Review status: criteria provided, single submitter. Criteria: Invitae Variant Classification Sherloc (09022015). Collection method: clinical testing. Allele origin: germline.
Comment: This sequence change replaces serine, which is neutral and polar, with leucine, which is neutral and non-polar, at codon 304 of the PCGF2 protein (p.Ser304Leu). The frequency data for this variant in the population databases is considered unreliable, as metrics indicate poor data quality at this position in the gnomAD database. This variant has not been reported in the literature in individuals affected with PCGF2-related conditions. An algorithm developed to predict the effect of missense changes on protein structure and function (PolyPhen-2) suggests that this variant is likely to be tolerated. In summary, the available evidence is currently insufficient to determine the role of this variant in disease. Therefore, it has been classified as a Variant of Uncertain Significance.